The following is an entry in ClinVar:

ClinVar aggregate classification (germline): Uncertain significance. Review status: criteria provided, multiple submitters, no conflicts (2 of 4 stars). 2 submissions from 2 submitters: Uncertain significance (2). Last evaluated 2025-10-15.

Conditions:
Inborn genetic diseases. Identifiers: MedGen C0950123, MeSH D030342.
CHARGE syndrome (CHARGE). Also called: Hittner Hirsch Kreh syndrome; CHARGE ASSOCIATION--COLOBOMA, HEART ANOMALY, CHOANAL ATRESIA, RETARDATION, GENITAL AND EAR ANOMALIES; Coloboma, heart anomaly, choanal atresia, retardation, genital and ear anomalies; CHARGE association; Hall-Hittner syndrome. Identifiers: Orphanet 138, MedGen C0265354, MONDO:0008965.

gnomAD v4.1: 1 of 1,610,924 alleles (0.000062%); highest among the groups gnomAD compares: South Asian, 0.0011%; no homozygotes.

Submissions (2):

Ambry Genetics
Classification: Uncertain significance for Inborn genetic diseases. Last evaluated: 2025-10-15. Review status: criteria provided, single submitter. Criteria: Ambry Variant Classification Scheme 2023. Collection method: clinical testing. Allele origin: germline.

Labcorp Genetics (formerly Invitae), Labcorp
Classification: Uncertain significance for CHARGE syndrome. Last evaluated: 2022-10-28. Review status: criteria provided, single submitter. Criteria: Invitae Variant Classification Sherloc (09022015). Collection method: clinical testing. Allele origin: germline.
Comment: This sequence change replaces alanine, which is neutral and non-polar, with valine, which is neutral and non-polar, at codon 2726 of the CHD7 protein (p.Ala2726Val). In summary, the available evidence is currently insufficient to determine the role of this variant in disease. Therefore, it has been classified as a Variant of Uncertain Significance. Advanced modeling of protein sequence and biophysical properties (such as structural, functional, and spatial information, amino acid conservation, physicochemical variation, residue mobility, and thermodynamic stability) performed at Invitae indicates that this missense variant is not expected to disrupt CHD7 protein function. This variant has not been reported in the literature in individuals affected with CHD7-related conditions. This variant is not present in population databases (gnomAD no frequency).

NM_017780.4(CHD7):c.8177C>T (p.Ala2726Val)

Gene: CHD7 (chromodomain helicase DNA binding protein 7; plus strand). Cytogenetic location: 8q12.2.
Variant type: single nucleotide variant.
Coding change: c.8177C>T on transcript NM_017780.4 (MANE Select); coding-DNA position 8177, C replaced by T.
Protein change: p.Ala2726Val; replaces alanine 2726 with valine.
Molecular consequence: missense variant.
Genome position (GRCh38, 1-based): chr8:60,865,116, C>T. VCF-style: chr8-60865116-C-T. GRCh37 (hg19) VCF-style: chr8-61777675-C-T.
Other names: c.2030C>T, p.Ala677Val (NM_001316690.1); c.8177C>T (NM_017780.3); short protein forms A2726V, A677V.
Identifiers: ClinVar variation 2909245 (VCV002909245.4), dbSNP rs1563673442, ClinGen allele CA371307555.